The following is an entry in ClinVar:

NM_004369.4(COL6A3):c.7768A>G (p.Ile2590Val)

Gene: COL6A3 (collagen type VI alpha 3 chain; minus strand). Cytogenetic location: 2q37.3.
Variant type: single nucleotide variant.
Coding change: c.7768A>G on transcript NM_004369.4 (MANE Select); coding-DNA position 7768, A replaced by G.
Protein change: p.Ile2590Val; replaces isoleucine 2590 with valine.
Molecular consequence: missense variant.
Genome position (GRCh38, 1-based): chr2:237,341,148, T>C on the plus strand (A>G on the coding strand, the complement: COL6A3 is on the minus strand). VCF-style: chr2-237341148-T-C. GRCh37 (hg19) VCF-style: chr2-238249791-T-C.
Other names: c.5947A>G, p.Ile1983Val (NM_057166.5); c.7150A>G, p.Ile2384Val (NM_057167.4); short protein forms I2590V, I2384V, I1983V.
Identifiers: ClinVar variation 285196 (VCV000285196.8), dbSNP rs372278071, ClinGen allele CA2187697.

ClinVar aggregate classification (germline): Uncertain significance. Review status: criteria provided, multiple submitters, no conflicts (2 of 4 stars). 2 submissions from 2 submitters: Uncertain significance (2). Last evaluated 2025-07-07.

Conditions:
Bethlem myopathy 1A. Also called: Bethlem Muscular Dystrophy; MYOPATHY, BENIGN CONGENITAL, WITH CONTRACTURES; Bethlem myopathy 1. Identifiers: Orphanet 610, MedGen CN029274, MONDO:0024530, OMIM 158810.

Allele frequency attached by ClinVar (database versions not stated): gnomAD 0.00002 and 0.00003; TOPMed 0.00003; ESP Exome Variant Server 0.00008.
gnomAD v4.1: 7 of 1,613,934 alleles (0.00043%); highest among the groups gnomAD compares: African/African-American, 0.0093%; no homozygotes.

Submissions (2):

Labcorp Genetics (formerly Invitae), Labcorp
Classification: Uncertain significance for Bethlem myopathy 1A. Last evaluated: 2025-07-07. Review status: criteria provided, single submitter. Criteria: Invitae Variant Classification Sherloc (09022015). Collection method: clinical testing. Allele origin: germline.
Comment: This sequence change replaces isoleucine, which is neutral and non-polar, with valine, which is neutral and non-polar, at codon 2590 of the COL6A3 protein (p.Ile2590Val). This variant is present in population databases (rs372278071, gnomAD 0.02%). This variant has not been reported in the literature in individuals affected with COL6A3-related conditions. ClinVar contains an entry for this variant (Variation ID: 285196). An algorithm developed to predict the effect of missense changes on protein structure and function outputs the following: PolyPhen-2: "Not Available". The valine amino acid residue is found in multiple mammalian species, which suggests that this missense change does not adversely affect protein function. In summary, the available evidence is currently insufficient to determine the role of this variant in disease. Therefore, it has been classified as a Variant of Uncertain Significance.

Eurofins Ntd Llc (ga)
Classification: Uncertain significance. Last evaluated: 2016-01-04. Review status: criteria provided, single submitter. Criteria: EGL Classification Definitions 2015. Collection method: clinical testing. Allele origin: germline. Observed: 1 variant allele, 1 heterozygote.